The following is an entry in ClinVar:

ClinVar aggregate classification (germline): Uncertain significance. Review status: criteria provided, multiple submitters, no conflicts (2 of 4 stars). 2 submissions from 2 submitters: Uncertain significance (2). Last evaluated 2024-08-18.

Conditions:
Osteogenesis imperfecta type I (OI1). Also called: Classic Non-deforming Osteogenesis Imperfecta with Blue Sclerae; Osteogenesis imperfecta type 1; OI, TYPE I; OSTEOGENESIS IMPERFECTA TARDA; OSTEOGENESIS IMPERFECTA WITH BLUE SCLERAE; Lobstein's Disease. Identifiers: Orphanet 216796, Orphanet 666, MedGen C0023931, MONDO:0008146, OMIM 166200. Disease mechanism: loss of function.

Allele frequency attached by ClinVar (database versions not stated): gnomAD 0.00001; gnomAD exomes 0.00001 and 0.00003; TOPMed 0.00002; ExAC 0.00004; 1000 Genomes Project 30x 0.00016; 1000 Genomes Project 0.00020.
gnomAD v4.1: 10 of 1,613,986 alleles (0.00062%); highest among the groups gnomAD compares: African/African-American, 0.0067%; no homozygotes.

Submissions (2):

GeneDx
Classification: Uncertain significance. Last evaluated: 2024-08-18. Review status: criteria provided, single submitter. Criteria: GeneDx Variant Classification Process June 2021. Collection method: clinical testing. Allele origin: germline. Affected: yes.
Comment: Has not been previously published as pathogenic or benign to our knowledge; In silico analysis indicates that this missense variant does not alter protein structure/function; Occurs in the triple helical domain at the Y position in the canonical Gly-X-Y repeat; although this variant may have an effect on normal protein folding and function, missense substitution at the Y position is not a common mechanism of disease (HGMD)

Labcorp Genetics (formerly Invitae), Labcorp
Classification: Uncertain significance for Osteogenesis imperfecta type I. Last evaluated: 2022-03-14. Review status: criteria provided, single submitter. Criteria: Invitae Variant Classification Sherloc (09022015). Collection method: clinical testing. Allele origin: germline.
Comment: This sequence change replaces alanine, which is neutral and non-polar, with threonine, which is neutral and polar, at codon 385 of the COL1A1 protein (p.Ala385Thr). This variant is present in population databases (rs548048698, gnomAD 0.01%). This variant has not been reported in the literature in individuals affected with COL1A1-related conditions. ClinVar contains an entry for this variant (Variation ID: 1312089). Algorithms developed to predict the effect of missense changes on protein structure and function are either unavailable or do not agree on the potential impact of this missense change (SIFT: "Deleterious"; PolyPhen-2: "Not Available"; Align-GVGD: "Class C0"). In summary, the available evidence is currently insufficient to determine the role of this variant in disease. Therefore, it has been classified as a Variant of Uncertain Significance.

NM_000088.4(COL1A1):c.1153G>A (p.Ala385Thr)

Gene: COL1A1 (collagen type I alpha 1 chain; minus strand). Cytogenetic location: 17q21.33.
Variant type: single nucleotide variant.
Coding change: c.1153G>A on transcript NM_000088.4 (MANE Select); coding-DNA position 1153, G replaced by A.
Protein change: p.Ala385Thr; replaces alanine 385 with threonine.
Molecular consequence: missense variant.
Genome position (GRCh38, 1-based): chr17:50,195,569, C>T on the plus strand (G>A on the coding strand, the complement: COL1A1 is on the minus strand). VCF-style: chr17-50195569-C-T. GRCh37 (hg19) VCF-style: chr17-48272930-C-T.
Other names: short protein forms A385T.
Identifiers: ClinVar variation 1312089 (VCV001312089.8), dbSNP rs548048698, ClinGen allele CA8645388.
Genomic context (GRCh38, chr17:50,195,569, plus strand): 5'-AGGCAAGGACTCTGAGGTTAGAAAGTGGCAAAGGGGACACTGAGTCGGGGACACTTACAG[C>T]AGGGCCAGCAGCACCAGCAGGGCCAGGGGGGCCAGGCTCACCACGCACACCCTGGGGACC-3'
Protein context (NP_000079.2, residues 375-395): PPGPAGAAGP[Ala385Thr]GNPGADGQPG